The following is an entry in ClinVar:

NM_000264.5(PTCH1):c.1999G>A (p.Glu667Lys)

Genes: PTCH1 (patched 1; minus strand), LOC100507346 (uncharacterized LOC100507346; plus strand). Cytogenetic location: 9q22.32.
Variant type: single nucleotide variant.
Coding change: c.1999G>A on transcript NM_000264.5 (MANE Select); coding-DNA position 1999, G replaced by A.
Protein change: p.Glu667Lys; replaces glutamic acid 667 with lysine.
Molecular consequence: missense variant. On other transcripts: non-coding transcript variant (2).
Genome position (GRCh38, 1-based): chr9:95,469,002, C>T on the plus strand (G>A on the coding strand, the complement: PTCH1 is on the minus strand). VCF-style: chr9-95469002-C-T. GRCh37 (hg19) VCF-style: chr9-98231284-C-T.
Other names: c.1801G>A, p.Glu601Lys (NM_001083602.3); c.1996G>A, p.Glu666Lys (NM_001083603.3); c.1546G>A, p.Glu516Lys (NM_001083604.3, NM_001083605.3, NM_001083606.3 and 1 more transcripts); c.1843G>A, p.Glu615Lys (NM_001354918.2); short protein forms E601K, E615K, E666K, E667K, E516K.
Identifiers: ClinVar variation 4146865 (VCV004146865.1).

ClinVar aggregate classification (germline): Uncertain significance (1 of 4 stars; one submission).

Conditions:
Hereditary cancer-predisposing syndrome. Also called: Hereditary neoplastic syndrome; Neoplastic Syndromes, Hereditary; Tumor predisposition; Hereditary Cancer Syndrome. Identifiers: Orphanet 140162, MedGen C0027672, MeSH D009386, MONDO:0015356.

Submission:

Ambry Genetics
Classification: Uncertain significance for Hereditary cancer-predisposing syndrome. Last evaluated: 2025-07-12. Review status: criteria provided, single submitter. Criteria: Ambry Variant Classification Scheme 2023. Collection method: clinical testing. Allele origin: germline.
Comment: The p.E667K variant (also known as c.1999G>A), located in coding exon 14 of the PTCH1 gene, results from a G to A substitution at nucleotide position 1999. The glutamic acid at codon 667 is replaced by lysine, an amino acid with similar properties. This amino acid position is conserved. In addition, this alteration is predicted to be deleterious by in silico analysis. Based on the available evidence, the clinical significance of this variant remains unclear.